The following is an entry in ClinVar:

ClinVar aggregate classification (germline): Benign. Review status: criteria provided, multiple submitters, no conflicts (2 of 4 stars). 3 submissions from 3 submitters: Benign (2). 1 of the submissions does not count toward it. Last evaluated 2018-12-10.

Conditions:
SS18L1-related disorder. Also called: SS18L1-related condition.

Allele frequency attached by ClinVar (database versions not stated): gnomAD exomes 0.00679; ExAC 0.00697; 1000 Genomes Project 0.00300; TOPMed 0.00494; ESP Exome Variant Server 0.00523; 1000 Genomes Project 30x 0.00297; gnomAD 0.00635 and 0.00658.
gnomAD v4.1: 11,799 of 1,614,040 alleles (0.73%); highest among the groups gnomAD compares: Non-Finnish European, 0.82%; 52 homozygotes.

Submissions (3):

Labcorp Genetics (formerly Invitae), Labcorp
Classification: Benign. Last evaluated: 2018-12-10. Review status: criteria provided, single submitter. Criteria: Invitae Variant Classification Sherloc (09022015). Collection method: clinical testing. Allele origin: germline.

Breakthrough Genomics
Classification: Benign. Review status: criteria provided, single submitter. Criteria: ACMG Guidelines, 2015. Collection method: not provided. Allele origin: germline. Inheritance: Unknown mechanism. Affected: yes.

PreventionGenetics, part of Exact Sciences
Classification: Benign for SS18L1-related condition. Last evaluated: 2019-06-06. Review status: no assertion criteria provided. Collection method: clinical testing. Allele origin: germline. Not counted in ClinVar's aggregate classification.
Comment: This variant is classified as benign based on ACMG/AMP sequence variant interpretation guidelines (Richards et al. 2015 PMID: 25741868, with internal and published modifications).

NM_198935.3(SS18L1):c.1056G>A (p.Pro352=)

Gene: SS18L1 (SS18L1 subunit of BAF chromatin remodeling complex; plus strand). Cytogenetic location: 20q13.33.
Variant type: single nucleotide variant.
Coding change: c.1056G>A on transcript NM_198935.3 (MANE Select); coding-DNA position 1056, G replaced by A.
Protein change: p.Pro352=; no amino-acid change (proline 352 retained).
Molecular consequence: synonymous variant. On other transcripts: non-coding transcript variant (2).
Genome position (GRCh38, 1-based): chr20:62,174,536, G>A. VCF-style: chr20-62174536-G-A. GRCh37 (hg19) VCF-style: chr20-60749592-G-A.
Other names: c.663G>A, p.Pro221= (NM_001301778.2).
Identifiers: ClinVar variation 708732 (VCV000708732.6), dbSNP rs58275873, ClinGen allele CA9937417.